The following is an entry in ClinVar:

NM_003722.5(TP63):c.284G>A (p.Cys95Tyr)

Gene: TP63 (tumor protein p63; plus strand). Cytogenetic location: 3q28.
Variant type: single nucleotide variant.
Coding change: c.284G>A on transcript NM_003722.5 (MANE Select); coding-DNA position 284, G replaced by A.
Protein change: p.Cys95Tyr; replaces cysteine 95 with tyrosine.
Molecular consequence: missense variant.
Genome position (GRCh38, 1-based): chr3:189,738,734, G>A. VCF-style: chr3-189738734-G-A. GRCh37 (hg19) VCF-style: chr3-189456523-G-A.
Other names: c.284G>A, p.Cys95Tyr (NM_001114978.2, NM_001114979.2, NM_001329144.2 and 1 more transcripts); c.278G>A, p.Cys93Tyr (NM_001329964.2); short protein forms C93Y, C95Y.
Identifiers: ClinVar variation 3680683 (VCV003680683.1).

ClinVar aggregate classification (germline): Uncertain significance (1 of 4 stars; one submission).

Conditions:
TP63-Related Spectrum Disorders.

gnomAD v4.1: 5 of 1,614,028 alleles (0.00031%); highest among the groups gnomAD compares: Non-Finnish European, 0.00042%; no homozygotes.

Submission:

Labcorp Genetics (formerly Invitae), Labcorp
Classification: Uncertain significance. Last evaluated: 2024-06-05. Review status: criteria provided, single submitter. Criteria: Invitae Variant Classification Sherloc (09022015). Collection method: clinical testing. Allele origin: germline.
Comment: This sequence change replaces cysteine, which is neutral and slightly polar, with tyrosine, which is neutral and polar, at codon 95 of the TP63 protein (p.Cys95Tyr). This variant is present in population databases (rs752035368, gnomAD 0.002%). This variant has not been reported in the literature in individuals affected with TP63-related conditions. Advanced modeling of protein sequence and biophysical properties (such as structural, functional, and spatial information, amino acid conservation, physicochemical variation, residue mobility, and thermodynamic stability) has been performed at Invitae for this missense variant, however the output from this modeling did not meet the statistical confidence thresholds required to predict the impact of this variant on TP63 protein function. In summary, the available evidence is currently insufficient to determine the role of this variant in disease. Therefore, it has been classified as a Variant of Uncertain Significance.